The following is an entry in ClinVar:

NM_006118.4(HAX1):c.54-2A>T

Gene: HAX1 (HCLS1 associated protein X-1; plus strand). Cytogenetic location: 1q21.3.
Variant type: single nucleotide variant.
Coding change: c.54-2A>T on transcript NM_006118.4 (MANE Select); the canonical splice acceptor site of the intron before coding-DNA position 54, A replaced by T.
Molecular consequence: splice acceptor variant. On other transcripts: intron variant (1).
Genome position (GRCh38, 1-based): chr1:154,273,334, A>T. VCF-style: chr1-154273334-A-T. GRCh37 (hg19) VCF-style: chr1-154245810-A-T.
Other names: c.54-146A>T (NM_001018837.2).
Identifiers: ClinVar variation 1492611 (VCV001492611.6), dbSNP rs764765550, ClinGen allele CA1127237.
Genomic context (GRCh38, chr1:154,273,334, plus strand): 5'-GAGTTGATTTAATGGCTTAAATAGTGCTGAAATATTGGTGGCCAATCTGCCTCCACTCTC[A>T]GCCACAGAGATCCCTTTTTTGGAGGGATGACTCGAGATGAAGATGATGATGAGGAAGAAG-3'

ClinVar aggregate classification (germline): Likely pathogenic (1 of 4 stars; one submission).

Conditions:
Kostmann syndrome (SCN3). Also called: KOSTMANN DISEASE; Autosomal recessive severe congenital neutropenia type 3. Identifiers: Orphanet 99749, MedGen C5235141, MONDO:0012548, OMIM 610738.

Allele frequency attached by ClinVar (database versions not stated): gnomAD exomes below 0.00001; ExAC 0.00001.
gnomAD v4.1: 2 of 1,613,924 alleles (0.00012%); highest among the groups gnomAD compares: Non-Finnish European, 0.00017%; no homozygotes.

Submission:

Labcorp Genetics (formerly Invitae), Labcorp
Classification: Likely pathogenic for Kostmann syndrome. Last evaluated: 2021-09-15. Review status: criteria provided, single submitter. Criteria: Invitae Variant Classification Sherloc (09022015). Collection method: clinical testing. Allele origin: germline.
Comment: In summary, the currently available evidence indicates that the variant is pathogenic, but additional data are needed to prove that conclusively. Therefore, this variant has been classified as Likely Pathogenic. Algorithms developed to predict the effect of sequence changes on RNA splicing suggest that this variant may disrupt the consensus splice site. This variant has not been reported in the literature in individuals affected with HAX1-related conditions. This variant is present in population databases (rs764765550, ExAC 0.002%). This sequence change affects an acceptor splice site in intron 1 of the HAX1 gene. It is expected to disrupt RNA splicing. Variants that disrupt the donor or acceptor splice site typically lead to a loss of protein function (PMID: 16199547), and loss-of-function variants in HAX1 are known to be pathogenic (PMID: 17187068).

Literature cited by the submitters: PubMed 16199547; PubMed 17187068.